The following is an entry in ClinVar:

ClinVar aggregate classification (germline): Uncertain significance. Review status: criteria provided, multiple submitters, no conflicts (2 of 4 stars). 2 submissions from 2 submitters: Uncertain significance (2). Last evaluated 2026-04-12.

Conditions:
Cardiovascular phenotype. Identifiers: MedGen CN230736.

Submissions (2):

GeneDx
Classification: Uncertain significance. Last evaluated: 2026-04-12. Review status: criteria provided, single submitter. Criteria: GeneDx Variant Classification Process June 2021. Collection method: clinical testing. Allele origin: germline.
Comment: Not observed at significant frequency in large population cohorts (gnomAD); In silico analysis supports that this missense variant has a deleterious effect on protein structure/function; Has not been previously published as pathogenic or benign to our knowledge

Ambry Genetics
Classification: Uncertain significance for Cardiovascular phenotype. Last evaluated: 2024-11-10. Review status: criteria provided, single submitter. Criteria: Ambry Variant Classification Scheme 2023. Collection method: clinical testing. Allele origin: germline.
Comment: The p.M77V variant (also known as c.229A>G), located in coding exon 4 of the CALM3 gene, results from an A to G substitution at nucleotide position 229. The methionine at codon 77 is replaced by valine, an amino acid with highly similar properties. This amino acid position is conserved. In addition, this alteration is predicted to be deleterious by in silico analysis. Based on the available evidence, the clinical significance of this variant remains unclear.

NM_005184.4(CALM3):c.229A>G (p.Met77Val)

Gene: CALM3 (calmodulin 3; plus strand). Cytogenetic location: 19q13.32.
Variant type: single nucleotide variant.
Coding change: c.229A>G on transcript NM_005184.4 (MANE Select); coding-DNA position 229, A replaced by G.
Protein change: p.Met77Val; replaces methionine 77 with valine.
Molecular consequence: missense variant.
Genome position (GRCh38, 1-based): chr19:46,608,532, A>G. VCF-style: chr19-46608532-A-G. GRCh37 (hg19) VCF-style: chr19-47111789-A-G.
Other names: c.121A>G, p.Met41Val (NM_001329921.1, NM_001329923.1, NM_001329924.2 and 2 more transcripts); c.229A>G, p.Met77Val (NM_001329922.1); short protein forms M41V, M77V.
Identifiers: ClinVar variation 3484420 (VCV003484420.2).
Genomic context (GRCh38, chr19:46,608,532, plus strand): 5'-CACCTTCCAGGGAACGGGACCATTGACTTCCCGGAGTTCCTGACCATGATGGCCAGAAAG[A>G]TGAAGGACACAGACAGTGAGGAGGAGATCCGAGAGGCGTTCCGTGTCTTTGACAAGGTAA-3'
Protein context (NP_005175.2, residues 67-87): PEFLTMMARK[Met77Val]KDTDSEEEIR